The following is an entry in ClinVar:

ClinVar aggregate classification (germline): Uncertain significance (1 of 4 stars; one submission).

Conditions:
Nemaline myopathy 5 (NEM5A). Also called: NEMALINE MYOPATHY, AMISH TYPE; Nemaline myopathy 5, Amish type; NEMALINE MYOPATHY 5A, AUTOSOMAL RECESSIVE, SEVERE INFANTILE. Identifiers: Orphanet 98902, MedGen C1854380, MONDO:0011539, OMIM 605355.

Submission:

Labcorp Genetics (formerly Invitae), Labcorp
Classification: Uncertain significance for Nemaline myopathy 5. Last evaluated: 2022-07-05. Review status: criteria provided, single submitter. Criteria: Invitae Variant Classification Sherloc (09022015). Collection method: clinical testing. Allele origin: germline.
Comment: This sequence change replaces glutamic acid, which is acidic and polar, with lysine, which is basic and polar, at codon 6 of the TNNT1 protein (p.Glu6Lys). This variant is not present in population databases (gnomAD no frequency). This variant has not been reported in the literature in individuals affected with TNNT1-related conditions. ClinVar contains an entry for this variant (Variation ID: 652131). Algorithms developed to predict the effect of missense changes on protein structure and function are either unavailable or do not agree on the potential impact of this missense change (SIFT: "Deleterious"; PolyPhen-2: "Not Available"; Align-GVGD: "Class C0"). In summary, the available evidence is currently insufficient to determine the role of this variant in disease. Therefore, it has been classified as a Variant of Uncertain Significance.

NM_003283.6(TNNT1):c.16G>A (p.Glu6Lys)

Gene: TNNT1 (troponin T1, slow skeletal type; minus strand). Cytogenetic location: 19q13.42.
Variant type: single nucleotide variant.
Coding change: c.16G>A on transcript NM_003283.6 (MANE Select); coding-DNA position 16, G replaced by A.
Protein change: p.Glu6Lys; replaces glutamic acid 6 with lysine.
Molecular consequence: missense variant.
Genome position (GRCh38, 1-based): chr19:55,147,142, C>T on the plus strand (G>A on the coding strand, the complement: TNNT1 is on the minus strand). VCF-style: chr19-55147142-C-T. GRCh37 (hg19) VCF-style: chr19-55658510-C-T.
Other names: c.16G>A, p.Glu6Lys (NM_001126132.3, NM_001126133.3, NM_001291774.2); short protein forms E6K.
Identifiers: ClinVar variation 652131 (VCV000652131.9), dbSNP rs1599896616, ClinGen allele CA407438707.